The following is an entry in ClinVar:

NM_152383.5(DIS3L2):c.54T>A (p.Gly18=)

Gene: DIS3L2 (DIS3 like 3'-5' exoribonuclease 2; plus strand). Cytogenetic location: 2q37.1.
Variant type: single nucleotide variant.
Coding change: c.54T>A on transcript NM_152383.5 (MANE Select); coding-DNA position 54, T replaced by A.
Protein change: p.Gly18=; no amino-acid change (glycine 18 retained).
Molecular consequence: synonymous variant. On other transcripts: non-coding transcript variant (2).
Genome position (GRCh38, 1-based): chr2:232,015,515, T>A. VCF-style: chr2-232015515-T-A. GRCh37 (hg19) VCF-style: chr2-232880225-T-A.
Other names: c.54T>A, p.Gly18= (NM_001257281.2, NM_001257282.2).
Identifiers: ClinVar variation 2018517 (VCV002018517.4), dbSNP rs2469595461, ClinGen allele CA431908789.

ClinVar aggregate classification (germline): Uncertain significance (1 of 4 stars; one submission).

Conditions:
Perlman syndrome (PRLMNS). Identifiers: Orphanet 2849, MedGen C0796113, MONDO:0009965, OMIM 267000.

Submission:

Labcorp Genetics (formerly Invitae), Labcorp
Classification: Uncertain significance for Perlman syndrome. Last evaluated: 2022-07-21. Review status: criteria provided, single submitter. Criteria: Invitae Variant Classification Sherloc (09022015). Collection method: clinical testing. Allele origin: germline.
Comment: This sequence change affects codon 18 of the DIS3L2 mRNA. It is a 'silent' change, meaning that it does not change the encoded amino acid sequence of the DIS3L2 protein. This variant is not present in population databases (gnomAD no frequency). In summary, the available evidence is currently insufficient to determine the role of this variant in disease. Therefore, it has been classified as a Variant of Uncertain Significance. Algorithms developed to predict the effect of sequence changes on RNA splicing suggest that this variant may disrupt the consensus splice site. This variant has not been reported in the literature in individuals affected with DIS3L2-related conditions.